The following is an entry in ClinVar:

NM_020435.4(GJC2):c.902G>C (p.Arg301Pro)

Gene: GJC2 (gap junction protein gamma 2; plus strand). Cytogenetic location: 1q42.13.
Variant type: single nucleotide variant.
Coding change: c.902G>C on transcript NM_020435.4 (MANE Select); coding-DNA position 902, G replaced by C.
Protein change: p.Arg301Pro; replaces arginine 301 with proline.
Molecular consequence: missense variant.
Genome position (GRCh38, 1-based): chr1:228,158,660, G>C. VCF-style: chr1-228158660-G-C. GRCh37 (hg19) VCF-style: chr1-228346361-G-C.
Other names: short protein forms R301P.
Identifiers: ClinVar variation 2148213 (VCV002148213.4), dbSNP rs780182493, ClinGen allele CA1430927.

ClinVar aggregate classification (germline): Uncertain significance (1 of 4 stars; one submission).

Conditions:
Spastic paraplegia. Identifiers: MedGen C0037772, HP:0001258.

Allele frequency attached by ClinVar (database versions not stated): TOPMed below 0.00001; ExAC 0.00003; gnomAD 0.00003.
gnomAD v4.1: 13 of 1,501,654 alleles (0.00087%); highest among the groups gnomAD compares: Non-Finnish European, 0.0011%; no homozygotes.

Submission:

Labcorp Genetics (formerly Invitae), Labcorp
Classification: Uncertain significance for Spastic paraplegia. Last evaluated: 2023-12-04. Review status: criteria provided, single submitter. Criteria: Invitae Variant Classification Sherloc (09022015). Collection method: clinical testing. Allele origin: germline.
Comment: This sequence change replaces arginine, which is basic and polar, with proline, which is neutral and non-polar, at codon 301 of the GJC2 protein (p.Arg301Pro). This variant is present in population databases (rs780182493, gnomAD 0.003%). This variant has not been reported in the literature in individuals affected with GJC2-related conditions. ClinVar contains an entry for this variant (Variation ID: 2148213). Algorithms developed to predict the effect of missense changes on protein structure and function output the following: SIFT: "Not Available"; PolyPhen-2: "Benign"; Align-GVGD: "Not Available". The proline amino acid residue is found in multiple mammalian species, which suggests that this missense change does not adversely affect protein function. In summary, the available evidence is currently insufficient to determine the role of this variant in disease. Therefore, it has been classified as a Variant of Uncertain Significance.